The following is an entry in ClinVar:

ClinVar aggregate classification (germline): Conflicting classifications of pathogenicity. Review status: criteria provided, conflicting classifications (1 of 4 stars). 7 submissions from 7 submitters: Pathogenic (1); Likely pathogenic (3); Uncertain significance (1). 2 of the submissions do not count toward it. Last evaluated 2025-05-08.

Conditions:
OAT-related disorder. Also called: OAT-related condition.
Ornithine aminotransferase deficiency (GACR). Also called: OKT DEFICIENCY; Ornithine ketoacid aminotransferase deficiency; Gyrate atrophy; Gyrate atrophy of choroid and retina; Girate atrophy of the retina; HYPERORNITHINEMIA WITH GYRATE ATROPHY OF CHOROID AND RETINA. Identifiers: Orphanet 414, MedGen C0018425, MONDO:0009796, OMIM 258870.

Allele frequency attached by ClinVar (database versions not stated): gnomAD below 0.00001 and 0.00001; TOPMed below 0.00001; gnomAD exomes 0.00001 and 0.00002; ExAC 0.00002; 1000 Genomes Project 30x 0.00016; 1000 Genomes Project 0.00020.
gnomAD v4.1: 10 of 1,613,842 alleles (0.00062%); highest among the groups gnomAD compares: South Asian, 0.0099%; no homozygotes.

Submissions (7):

Natera, Inc.
Classification: Likely pathogenic for Gyrate atrophy. Last evaluated: 2025-05-08. Review status: criteria provided, single submitter. Criteria: Natera Variant Classification Schema (03/2026). Collection method: clinical testing. Allele origin: germline.
Comment: The c.272G>A variant in OAT is a missense variant predicted to cause substitution of glycine to glutamic acid at amino acid 91. This variant is rare in the general population with a frequency below the threshold expected for the associated phenotype(s). This variant has been observed in one or more individuals affected with the associated recessive disease, as either homozygous or compound heterozygous with a second variant (PMID: 22182799, 28559085, 39447872). This variant has been identified in one or more affected individuals with a phenotype highly consistent with the associated gene (PMID: 39447872). Computational prediction algorithms indicate this variant is likely to affect gene or protein function. Given the available evidence, this variant is classified as Likely Pathogenic.

Labcorp Genetics (formerly Invitae), Labcorp
Classification: Pathogenic for Ornithine aminotransferase deficiency. Last evaluated: 2025-04-16. Review status: criteria provided, single submitter. Criteria: Invitae Variant Classification Sherloc (09022015). Collection method: clinical testing. Allele origin: germline.
Comment: This sequence change replaces glycine, which is neutral and non-polar, with glutamic acid, which is acidic and polar, at codon 91 of the OAT protein (p.Gly91Glu). This variant is present in population databases (rs386833603, gnomAD 0.01%). This missense change has been observed in individual(s) with gyrate atrophy (PMID: 22182799, 28559085; internal data). ClinVar contains an entry for this variant (Variation ID: 56121). Invitae Evidence Modeling of protein sequence and biophysical properties (such as structural, functional, and spatial information, amino acid conservation, physicochemical variation, residue mobility, and thermodynamic stability) indicates that this missense variant is expected to disrupt OAT protein function with a positive predictive value of 80%. For these reasons, this variant has been classified as Pathogenic.

Blueprint Genetics
Classification: Likely pathogenic for OAT-related disorders. Last evaluated: 2024-07-02. Review status: criteria provided, single submitter. Criteria: ACMG Guidelines, 2015. Collection method: clinical testing. Allele origin: germline. Affected: yes. Observed: 1 variant allele.

Baylor Genetics
Classification: Likely pathogenic for Ornithine aminotransferase deficiency. Last evaluated: 2024-03-07. Review status: criteria provided, single submitter. Criteria: ACMG Guidelines, 2015. Collection method: clinical testing. Allele origin: unknown.

Women's Health and Genetics/Laboratory Corporation of America, LabCorp
Classification: Uncertain significance. Last evaluated: 2023-08-10. Review status: criteria provided, single submitter. Criteria: LabCorp Variant Classification Summary - May 2015. Collection method: clinical testing. Allele origin: germline.
Comment: Variant summary: OAT c.272G>A (p.Gly91Glu) results in a non-conservative amino acid change in the encoded protein sequence. Five of five in-silico tools predict a damaging effect of the variant on protein function. The variant allele was found at a frequency of 1.6e-05 in 251380 control chromosomes (gnomAD). c.272G>A has been reported in the literature as a biallelic genotype in individuals affected with Ornithine Aminotransferase Deficiency (e.g. Sergouniotis_2012, Stone_2018). These data indicate that the variant may be associated with disease. To our knowledge, no experimental evidence demonstrating an impact on protein function has been reported. The following publications have been ascertained in the context of this evaluation (PMID: 22182799, 28559085). One ClinVar submitter has assessed the variant since 2014, and classified the variant as uncertain significance. Based on the evidence outlined above, the variant was classified as VUS-possibly pathogenic.

PreventionGenetics, part of Exact Sciences
Classification: Likely pathogenic for OAT-related condition. Last evaluated: 2024-09-20. Review status: no assertion criteria provided. Collection method: clinical testing. Allele origin: germline. Not counted in ClinVar's aggregate classification.
Comment: The OAT c.272G>A variant is predicted to result in the amino acid substitution p.Gly91Glu. This variant has been reported in the homozygous and presumed compound heterozygous states in individuals with gyrate atrophy of the choroid and retina (GACR) (Sergouniotis et al. 2012. PubMed ID: 22182799; Table S1, Stone et al. 2017. PubMed ID: 28559085). This variant has also been reported in the homozygous state in a large cohort study of retinal disease (Table S1, Lin et al. 2024. PubMed ID: 38219857). This variant is reported in 0.013% of alleles in individuals of South Asian descent in gnomAD. Given the evidence, we interpret this variant as likely pathogenic.

Juha Muilu Group; Institute for Molecular Medicine Finland (FIMM)
Classification: Likely pathogenic for Ornithine aminotransferase deficiency. Review status: no assertion criteria provided. Collection method: not provided. Allele origin: unknown. Not counted in ClinVar's aggregate classification.
Comment: FinDis database variant: This variant was not found or characterized by our laboratory, data were collected from public sources: see reference
ClinVar note: Converted during submission from probable-pathogenic to Likely pathogenic.

Literature cited by the submitters: PubMed 22182799 (cited by 3 submitters); PubMed 28559085 (cited by 3 submitters); PubMed 39447872 (cited by Natera, Inc.).

NM_000274.4(OAT):c.272G>A (p.Gly91Glu)

Gene: OAT (ornithine aminotransferase; minus strand). Cytogenetic location: 10q26.13.
Variant type: single nucleotide variant.
Coding change: c.272G>A on transcript NM_000274.4 (MANE Select); coding-DNA position 272, G replaced by A.
Protein change: p.Gly91Glu; replaces glycine 91 with glutamic acid.
Molecular consequence: missense variant. On other transcripts: 5 prime UTR variant (2), intron variant (1).
Genome position (GRCh38, 1-based): chr10:124,408,893, C>T on the plus strand (G>A on the coding strand, the complement: OAT is on the minus strand). VCF-style: chr10-124408893-C-T. GRCh37 (hg19) VCF-style: chr10-126097462-C-T.
Other names: c.-143G>A (NM_001171814.2); c.272G>A, p.Gly91Glu (NM_001322965.2, NM_001322966.2, NM_001322967.2 and 3 more transcripts); c.-443G>A (NM_001322974.2); c.199+3080G>A (NM_001322971.2); short protein forms G91E.
Identifiers: ClinVar variation 56121 (VCV000056121.17), dbSNP rs386833603, ClinGen allele CA144145.